The following is an entry in ClinVar:

ClinVar aggregate classification (germline): Uncertain significance. Review status: criteria provided, multiple submitters, no conflicts (2 of 4 stars). 2 submissions from 2 submitters: Uncertain significance (2). Last evaluated 2026-02-01.

Allele frequency attached by ClinVar (database versions not stated): ExAC 0.00002; gnomAD exomes below 0.00001.
gnomAD v4.1: 3 of 1,608,476 alleles (0.00019%); highest among the groups gnomAD compares: East Asian, 0.0022%; no homozygotes.

Submissions (2):

Dasa
Classification: Uncertain significance. Last evaluated: 2026-02-01. Review status: criteria provided, single submitter. Criteria: DASA Assertion Criteria. Collection method: clinical testing. Allele origin: germline.
Comment: NM_005402.4(RALA):c.109G>A (p.Asp37Asn) is a missense variant that results in the substitution of aspartic acid with asparagine. This variant is rare in population databases. The currently available literature and clinical evidence are not sufficient to establish a definitive association between this variant and the reported condition. Therefore, this variant is classified as a variant of uncertain significance.

Labcorp Genetics (formerly Invitae), Labcorp
Classification: Uncertain significance. Last evaluated: 2026-01-19. Review status: criteria provided, single submitter. Criteria: Invitae Variant Classification Sherloc (09022015). Collection method: clinical testing. Allele origin: germline.
Comment: This sequence change replaces aspartic acid, which is acidic and polar, with asparagine, which is neutral and polar, at codon 37 of the RALA protein (p.Asp37Asn). This variant is present in population databases (rs765338145, gnomAD 0.006%). This variant has not been reported in the literature in individuals affected with RALA-related conditions. ClinVar contains an entry for this variant (Variation ID: 1954044). Invitae Evidence Modeling of protein sequence and biophysical properties (such as structural, functional, and spatial information, amino acid conservation, physicochemical variation, residue mobility, and thermodynamic stability) indicates that this missense variant is not expected to disrupt RALA protein function with a negative predictive value of 95%. In summary, the available evidence is currently insufficient to determine the role of this variant in disease. Therefore, it has been classified as a Variant of Uncertain Significance.

NM_005402.4(RALA):c.109G>A (p.Asp37Asn)

Gene: RALA (RAS like proto-oncogene A; plus strand). Cytogenetic location: 7p14.1.
Variant type: single nucleotide variant.
Coding change: c.109G>A on transcript NM_005402.4 (MANE Select); coding-DNA position 109, G replaced by A.
Protein change: p.Asp37Asn; replaces aspartic acid 37 with asparagine.
Molecular consequence: missense variant.
Genome position (GRCh38, 1-based): chr7:39,686,776, G>A. VCF-style: chr7-39686776-G-A. GRCh37 (hg19) VCF-style: chr7-39726375-G-A.
Other names: short protein forms D37N.
Identifiers: ClinVar variation 1954044 (VCV001954044.7), dbSNP rs765338145, ClinGen allele CA4228194.